The following is an entry in ClinVar:

NM_005633.4(SOS1):c.3853C>T (p.His1285Tyr)

Gene: SOS1 (SOS Ras/Rac guanine nucleotide exchange factor 1; minus strand). Cytogenetic location: 2p22.1.
Variant type: single nucleotide variant.
Coding change: c.3853C>T on transcript NM_005633.4 (MANE Select); coding-DNA position 3853, C replaced by T.
Protein change: p.His1285Tyr; replaces histidine 1285 with tyrosine.
Molecular consequence: missense variant.
Genome position (GRCh38, 1-based): chr2:38,985,973, G>A on the plus strand (C>T on the coding strand, the complement: SOS1 is on the minus strand). VCF-style: chr2-38985973-G-A. GRCh37 (hg19) VCF-style: chr2-39213114-G-A.
Other names: c.3832C>T, p.His1278Tyr (NM_001382394.1); c.3808C>T, p.His1270Tyr (NM_001382395.1); short protein forms H1270Y, H1278Y, H1285Y.
Identifiers: ClinVar variation 3224897 (VCV003224897.1), dbSNP rs2528869902, ClinGen allele CA346362181.

ClinVar aggregate classification (germline): Uncertain significance (1 of 4 stars; one submission).

Conditions:
Cardiovascular phenotype. Identifiers: MedGen CN230736.

Submission:

Ambry Genetics
Classification: Uncertain significance for Cardiovascular phenotype. Last evaluated: 2023-11-01. Review status: criteria provided, single submitter. Criteria: Ambry Variant Classification Scheme 2023. Collection method: clinical testing. Allele origin: germline.
Comment: The p.H1285Y variant (also known as c.3853C>T), located in coding exon 23 of the SOS1 gene, results from a C to T substitution at nucleotide position 3853. The histidine at codon 1285 is replaced by tyrosine, an amino acid with similar properties. This amino acid position is conserved. In addition, this alteration is predicted to be tolerated by in silico analysis. Since supporting evidence is limited at this time, the clinical significance of this alteration remains unclear.